The following is an entry in ClinVar:

ClinVar aggregate classification (germline): Uncertain significance (1 of 4 stars; one submission).

Allele frequency attached by ClinVar (database versions not stated): ExAC 0.00001; gnomAD exomes 0.00001; ESP Exome Variant Server 0.00008.

Submission:

Labcorp Genetics (formerly Invitae), Labcorp
Classification: Uncertain significance. Last evaluated: 2020-07-21. Review status: criteria provided, single submitter. Criteria: Invitae Variant Classification Sherloc (09022015). Collection method: clinical testing. Allele origin: germline.
Comment: This sequence change replaces leucine with phenylalanine at codon 738 of the TUBGCP6 protein (p.Leu738Phe). The leucine residue is weakly conserved and there is a small physicochemical difference between leucine and phenylalanine. In summary, the available evidence is currently insufficient to determine the role of this variant in disease. Therefore, it has been classified as a Variant of Uncertain Significance. Algorithms developed to predict the effect of missense changes on protein structure and function are either unavailable or do not agree on the potential impact of this missense change (SIFT: "Tolerated"; PolyPhen-2: "Probably Damaging"; Align-GVGD: "Class C0"). This variant has not been reported in the literature in individuals with TUBGCP6-related conditions. This variant is present in population databases (rs372665997, ExAC 0.002%).

NM_020461.4(TUBGCP6):c.2212C>T (p.Leu738Phe)

Gene: TUBGCP6 (tubulin gamma complex component 6; minus strand). Cytogenetic location: 22q13.33.
Variant type: single nucleotide variant.
Coding change: c.2212C>T on transcript NM_020461.4 (MANE Select); coding-DNA position 2212, C replaced by T.
Protein change: p.Leu738Phe; replaces leucine 738 with phenylalanine.
Molecular consequence: missense variant.
Genome position (GRCh38, 1-based): chr22:50,224,199, G>A on the plus strand (C>T on the coding strand, the complement: TUBGCP6 is on the minus strand). VCF-style: chr22-50224199-G-A. GRCh37 (hg19) VCF-style: chr22-50662628-G-A.
Other names: short protein forms L738F.
Identifiers: ClinVar variation 1017283 (VCV001017283.8), dbSNP rs372665997, ClinGen allele CA10308310.